The following is an entry in ClinVar:

ClinVar aggregate classification (germline): Uncertain significance. Review status: criteria provided, multiple submitters, no conflicts (2 of 4 stars). 2 submissions from 2 submitters: Uncertain significance (2). Last evaluated 2023-02-24.

Conditions:
Hereditary cancer-predisposing syndrome. Also called: Hereditary neoplastic syndrome; Tumor predisposition; Neoplastic Syndromes, Hereditary; Hereditary Cancer Syndrome. Identifiers: Orphanet 140162, MedGen C0027672, MeSH D009386, MONDO:0015356.
Tuberous sclerosis 2 (TSC2). Identifiers: Orphanet 805, MedGen C1860707, MONDO:0013199, OMIM 613254.

Submissions (2):

Labcorp Genetics (formerly Invitae), Labcorp
Classification: Uncertain significance for Tuberous sclerosis 2. Last evaluated: 2023-02-24. Review status: criteria provided, single submitter. Criteria: Invitae Variant Classification Sherloc (09022015). Collection method: clinical testing. Allele origin: germline.
Comment: In summary, the available evidence is currently insufficient to determine the role of this variant in disease. Therefore, it has been classified as a Variant of Uncertain Significance. Advanced modeling of protein sequence and biophysical properties (such as structural, functional, and spatial information, amino acid conservation, physicochemical variation, residue mobility, and thermodynamic stability) performed at Invitae indicates that this missense variant is not expected to disrupt TSC2 protein function. ClinVar contains an entry for this variant (Variation ID: 955988). This variant has not been reported in the literature in individuals affected with TSC2-related conditions. This variant is not present in population databases (gnomAD no frequency). This sequence change replaces glutamic acid, which is acidic and polar, with glycine, which is neutral and non-polar, at codon 1426 of the TSC2 protein (p.Glu1426Gly).

Ambry Genetics
Classification: Uncertain significance for Hereditary cancer-predisposing syndrome. Last evaluated: 2022-12-16. Review status: criteria provided, single submitter. Criteria: Ambry Variant Classification Scheme 2023. Collection method: clinical testing. Allele origin: germline.
Comment: The p.E1426G variant (also known as c.4277A>G), located in coding exon 33 of the TSC2 gene, results from an A to G substitution at nucleotide position 4277. The glutamic acid at codon 1426 is replaced by glycine, an amino acid with similar properties. This amino acid position is conserved. In addition, the in silico prediction for this alteration is inconclusive. Since supporting evidence is limited at this time, the clinical significance of this alteration remains unclear.

NM_000548.5(TSC2):c.4277A>G (p.Glu1426Gly)

Gene: TSC2 (TSC complex subunit 2; plus strand). Cytogenetic location: 16p13.3.
Variant type: single nucleotide variant.
Coding change: c.4277A>G on transcript NM_000548.5 (MANE Select); coding-DNA position 4277, A replaced by G.
Protein change: p.Glu1426Gly; replaces glutamic acid 1426 with glycine.
Molecular consequence: missense variant.
Genome position (GRCh38, 1-based): chr16:2,084,499, A>G. VCF-style: chr16-2084499-A-G. GRCh37 (hg19) VCF-style: chr16-2134500-A-G.
Other names: c.4076A>G, p.Glu1359Gly (NM_001077183.3); c.4208A>G, p.Glu1403Gly (NM_001114382.3); c.3968A>G, p.Glu1323Gly (NM_001318827.2); c.3932A>G, p.Glu1311Gly (NM_001318829.2); c.3545A>G, p.Glu1182Gly (NM_001318831.2); c.4109A>G, p.Glu1370Gly (NM_001318832.2); c.4079A>G, p.Glu1360Gly (NM_001363528.2); c.4145A>G, p.Glu1382Gly (NM_001370404.1); and 1 more; short protein forms E1323G, E1359G, E1370G, E1182G, E1311G, E1360G, E1382G, E1403G.
Identifiers: ClinVar variation 955988 (VCV000955988.11), dbSNP rs2090515740, ClinGen allele CA394300794.